The following is an entry in ClinVar:

ClinVar aggregate classification (germline): Benign/Likely benign. Review status: criteria provided, multiple submitters, no conflicts (2 of 4 stars). 5 submissions from 5 submitters: Benign (1); Likely benign (3). 1 of the submissions does not count toward it. Last evaluated 2024-05-21.

Conditions:
Familial ovarian cancer. Identifiers: MedGen C5679802, MONDO:0016248.
Hereditary cancer-predisposing syndrome. Also called: Hereditary neoplastic syndrome; Neoplastic Syndromes, Hereditary; Tumor predisposition; Hereditary Cancer Syndrome. Identifiers: Orphanet 140162, MedGen C0027672, MeSH D009386, MONDO:0015356.
Familial cancer of breast. Also called: BREAST CANCER, FAMILIAL; Hereditary breast cancer; hereditary breast carcinoma. Identifiers: Orphanet 227535, MedGen C0346153, MONDO:0016419, OMIM 114480. Disease mechanism: loss of function.
Ataxia-telangiectasia syndrome (AT). Also called: LOUIS-BAR SYNDROME; Cerebello-oculocutaneous telangiectasia; Immunodeficiency with ataxia telangiectasia; AT, COMPLEMENTATION GROUP C; Ataxia-telangiectasia, complementation group D; ATAXIA-TELANGIECTASIA, COMPLEMENTATION GROUP A. Identifiers: Orphanet 100, MedGen C0004135, MONDO:0008840, OMIM 208900.

Allele frequency attached by ClinVar (database versions not stated): gnomAD exomes below 0.00001; ExAC 0.00001; gnomAD 0.00001.
gnomAD v4.1: 5 of 1,613,368 alleles (0.00031%); highest among the groups gnomAD compares: Non-Finnish European, 0.00034%; no homozygotes.

Submissions (5):

Labcorp Genetics (formerly Invitae), Labcorp
Classification: Likely benign for Ataxia-telangiectasia syndrome. Last evaluated: 2024-05-21. Review status: criteria provided, single submitter. Criteria: Invitae Variant Classification Sherloc (09022015). Collection method: clinical testing. Allele origin: germline.

Myriad Genetics, Inc.
Classification: Benign for Familial cancer of breast. Last evaluated: 2024-05-16. Review status: criteria provided, single submitter. Criteria: Myriad Autosomal Dominant, Autosomal Recessive and X-Linked Classification Criteria (2023). Collection method: clinical testing. Allele origin: unknown.
Comment: This variant is considered benign. This variant is a silent/synonymous amino acid change and it is not expected to impact splicing.

Color Diagnostics, LLC DBA Color Health
Classification: Likely benign for Hereditary cancer-predisposing syndrome. Last evaluated: 2017-03-27. Review status: criteria provided, single submitter. Criteria: ACMG Guidelines, 2015. Collection method: clinical testing. Allele origin: germline.

Ambry Genetics
Classification: Likely benign for Hereditary cancer-predisposing syndrome. Last evaluated: 2016-07-12. Review status: criteria provided, single submitter. Criteria: Ambry Variant Classification Scheme 2023. Collection method: clinical testing. Allele origin: germline.

Department of Pathology and Laboratory Medicine, Sinai Health System
Classification: Uncertain significance for Familial ovarian cancer. Review status: no assertion criteria provided. Collection method: clinical testing. Allele origin: unknown. Affected: yes. Observed: 1 variant allele. Study: The Canadian Open Genetics Repository (COGR). Not counted in ClinVar's aggregate classification.
Comment: The ATM p.Val1344= variant was not identified in the literature nor was it identified in the ClinVar, Genesight-COGR, Cosmic, or MutDB, LOVD 3.0. The variant was also identified in dbSNP (ID: rs769871715) as â€šÃ„ÃºNAâ€šÃ„Ã¹ and in control databases in 2 of 274394 chromosomes at a frequency of 0.000007 (Genome Aggregation Database Feb 27, 2017), observed in the European Non-Finnish population in 2 of 124108 chromosomes (freq: 0.00002), while not observed in the African, Other, Latino, Ashkenazi Jewish, East Asian, European Finnish, and South Asian populations. The p.Val1344= variant is not expected to have clinical significance because it does not result in a change of amino acid and is not located in a known consensus splice site. 1 of 5 in silico or computational prediction software programs (SpliceSiteFinder, MaxEntScan, NNSPLICE, GeneSplicer, HumanSpliceFinder) predict a greater than 10% difference in splicing; this is not very predictive of pathogenicity. In summary, based on the above information the clinical significance of this variant cannot be determined with certainty at this time. This variant is classified as a variant of uncertain significance.

NM_000051.4(ATM):c.4032G>C (p.Val1344=)

Gene: ATM (ATM serine/threonine kinase; plus strand). Cytogenetic location: 11q22.3.
Variant type: single nucleotide variant.
Coding change: c.4032G>C on transcript NM_000051.4 (MANE Select); coding-DNA position 4032, G replaced by C.
Protein change: p.Val1344=; no amino-acid change (valine 1344 retained).
Molecular consequence: synonymous variant.
Genome position (GRCh38, 1-based): chr11:108,287,638, G>C. VCF-style: chr11-108287638-G-C. GRCh37 (hg19) VCF-style: chr11-108158365-G-C.
Other names: c.4032G>C, p.Val1344= (NM_001351834.2).
Identifiers: ClinVar variation 481201 (VCV000481201.20), dbSNP rs769871715, ClinGen allele CA6265386.